The following is an entry in ClinVar:

ClinVar aggregate classification (germline): Uncertain significance (1 of 4 stars; one submission).

Submission:

Mayo Clinic Laboratories, Mayo Clinic
Classification: Uncertain significance. Last evaluated: 2023-02-03. Review status: criteria provided, single submitter. Criteria: ACMG Guidelines, 2015. Collection method: clinical testing. Allele origin: germline. Observed: 1 variant allele.
Comment: PM2

NM_001292063.2(OTOG):c.1118T>A (p.Val373Glu)

Gene: OTOG (otogelin; plus strand). Cytogenetic location: 11p15.1.
Variant type: single nucleotide variant.
Coding change: c.1118T>A on transcript NM_001292063.2 (MANE Select); coding-DNA position 1118, T replaced by A.
Protein change: p.Val373Glu; replaces valine 373 with glutamic acid.
Molecular consequence: missense variant.
Genome position (GRCh38, 1-based): chr11:17,559,066, T>A. VCF-style: chr11-17559066-T-A. GRCh37 (hg19) VCF-style: chr11-17580613-T-A.
Other names: p.Val385Glu; c.1154T>A, p.Val385Glu (NM_001277269.2); short protein forms V373E, V385E.
Identifiers: ClinVar variation 2683140 (VCV002683140.1), dbSNP rs2497383059, ClinGen allele CA379816207.